The following is an entry in ClinVar:

ClinVar aggregate classification (germline): Uncertain significance (1 of 4 stars; one submission).

Submission:

Labcorp Genetics (formerly Invitae), Labcorp
Classification: Uncertain significance. Last evaluated: 2020-03-12. Review status: criteria provided, single submitter. Criteria: Invitae Variant Classification Sherloc (09022015). Collection method: clinical testing. Allele origin: germline.
Comment: In summary, the available evidence is currently insufficient to determine the role of this variant in disease. Therefore, it has been classified as a Variant of Uncertain Significance. Experimental studies and prediction algorithms are not available or were not evaluated, and the functional significance of this variant is currently unknown. This variant has not been reported in the literature in individuals with SAMD11-related conditions. This variant is not present in population databases (ExAC no frequency). This variant, c.1737_1754del, results in the deletion of 6 amino acid(s) of the SAMD11 protein (p.Glu580_Thr585del), but otherwise preserves the integrity of the reading frame.

NM_001385641.1(SAMD11):c.2226_2243del (p.Glu743_Thr748del)

Gene: SAMD11 (sterile alpha motif domain containing 11; plus strand). Cytogenetic location: 1p36.33.
Variant type: Deletion.
Coding change: c.2226_2243del on transcript NM_001385641.1 (MANE Select); coding-DNA positions 2226 to 2243, 18 bases deleted (GGAGGAGCACCTGCTGAC).
Protein change: p.Glu743_Thr748del.
Molecular consequence: inframe deletion.
Genome position (GRCh38, 1-based): chr1:943,745-943,762, GGAGGAGCACCTGCTGAC deleted; deleting any 18 consecutive bases within chr1:943,737-943,762 gives the same sequence; the c. name uses the placement nearest the transcript's 3' end. VCF-style (leftmost placement, unchanged base first): chr1-943736-ACTGCTGACGGAGGAGCAC-A. GRCh37 (hg19) VCF-style: chr1-879116-ACTGCTGACGGAGGAGCAC-A.
Other names: c.2229_2246del, p.Glu744_Thr749del (NM_001385640.1); c.1737_1754del, p.Glu580_Thr585del (NM_152486.4).
Identifiers: ClinVar variation 1006740 (VCV001006740.8), dbSNP rs917235239, ClinGen allele CA16727519.